The following is an entry in ClinVar:

ClinVar aggregate classification (germline): Uncertain significance (1 of 4 stars; one submission).

Submission:

Labcorp Genetics (formerly Invitae), Labcorp
Classification: Uncertain significance. Last evaluated: 2023-04-17. Review status: criteria provided, single submitter. Criteria: Invitae Variant Classification Sherloc (09022015). Collection method: clinical testing. Allele origin: germline.
Comment: This sequence change replaces alanine, which is neutral and non-polar, with aspartic acid, which is acidic and polar, at codon 171 of the SLC10A2 protein (p.Ala171Asp). This variant is not present in population databases (gnomAD no frequency). In summary, the available evidence is currently insufficient to determine the role of this variant in disease. Therefore, it has been classified as a Variant of Uncertain Significance. Experimental studies and prediction algorithms are not available or were not evaluated, and the functional significance of this variant is currently unknown. This variant has not been reported in the literature in individuals affected with SLC10A2-related conditions.

NM_000452.3(SLC10A2):c.511_512inv (p.Ser171Asp)

Gene: SLC10A2 (solute carrier family 10 member 2; minus strand). Cytogenetic location: 13q33.1.
Variant type: Inversion.
Coding change: c.511_512inv on transcript NM_000452.3 (MANE Select).
Protein change: p.Ser171Asp; replaces serine 171 with aspartic acid.
Molecular consequence: missense variant.
Genome position: GRCh38 VCF-style: chr13-103052693-GA-TC. GRCh37 (hg19) VCF-style: chr13-103705043-GA-TC.
Other names: short protein forms S171D.
Identifiers: ClinVar variation 2857066 (VCV002857066.3), ClinGen allele CA2739277733.